The following is an entry in ClinVar:

ClinVar aggregate classification (germline): Likely pathogenic (1 of 4 stars; one submission).

Conditions:
TRAPPC11-related disorder. Also called: TRAPPC11-related condition.

Allele frequency attached by ClinVar (database versions not stated): gnomAD exomes below 0.00001.

Submission:

PreventionGenetics, part of Exact Sciences
Classification: Likely pathogenic for TRAPPC11-related condition. Last evaluated: 2022-10-21. Review status: criteria provided, single submitter. Criteria: ACMG Guidelines, 2015. Collection method: clinical testing. Allele origin: germline.
Comment: The TRAPPC11 c.2993dupT variant is predicted to result in a frameshift and premature protein termination (p.Thr999Hisfs*41). To our knowledge, this variant has not been reported in the literature or in a large population database, indicating this variant is rare. Frameshift variants in TRAPPC11 are expected to be pathogenic, and therefore this variant is interpreted as likely pathogenic.

NM_021942.6(TRAPPC11):c.2993dup (p.Thr999fs)

Gene: TRAPPC11 (trafficking protein particle complex subunit 11; plus strand). Cytogenetic location: 4q35.1.
Variant type: Duplication.
Coding change: c.2993dup on transcript NM_021942.6 (MANE Select); coding-DNA position 2993, one base duplicated (T; older notation c.2993dupT).
Protein change: p.Thr999fs; shifts the reading frame from threonine 999.
Molecular consequence: frameshift variant.
Genome position (GRCh38, 1-based): chr4:183,705,008, T duplicated. VCF-style (leftmost placement, unchanged base first): chr4-183705007-A-AT. GRCh37 (hg19) VCF-style: chr4-184626160-A-AT.
Other names: c.2993dup, p.Thr999fs (NM_199053.3); short protein forms T999fs.
Identifiers: ClinVar variation 2628747 (VCV002628747.1), dbSNP rs1561063218, ClinGen allele CA917382570.